The following is an entry in ClinVar:

NM_025215.6(PUS1):c.190C>T (p.His64Tyr)

Gene: PUS1 (pseudouridine synthase 1; plus strand). Cytogenetic location: 12q24.33.
Variant type: single nucleotide variant.
Coding change: c.190C>T on transcript NM_025215.6 (MANE Select); coding-DNA position 190, C replaced by T.
Protein change: p.His64Tyr; replaces histidine 64 with tyrosine.
Molecular consequence: missense variant.
Genome position (GRCh38, 1-based): chr12:131,930,022, C>T. VCF-style: chr12-131930022-C-T. GRCh37 (hg19) VCF-style: chr12-132414567-C-T.
Other names: p.H64Y:CAT>TAT; c.106C>T, p.His36Tyr (NM_001002019.3, NM_001002020.3); short protein forms H36Y, H64Y.
Identifiers: ClinVar variation 215048 (VCV000215048.4), dbSNP rs770669291, ClinGen allele CA322126.

ClinVar aggregate classification (germline): Uncertain significance. Review status: criteria provided, multiple submitters, no conflicts (2 of 4 stars). 3 submissions from 3 submitters: Uncertain significance (2). 1 of the submissions does not count toward it. Last evaluated 2025-04-25.

Conditions:
Inborn genetic diseases. Identifiers: MedGen C0950123, MeSH D030342.
Myopathy, lactic acidosis, and sideroblastic anemia 1 (MLASA1). Identifiers: Orphanet 2598, MedGen C4551958, MONDO:0024553, OMIM 600462.

Allele frequency attached by ClinVar (database versions not stated): gnomAD below 0.00001 and 0.00001; TOPMed 0.00001; gnomAD exomes 0.00004 and 0.00008; ExAC 0.00007.
gnomAD v4.1: 58 of 1,473,416 alleles (0.0039%); highest among the groups gnomAD compares: South Asian, 0.078%; 1 homozygote.

Submissions (3):

Ambry Genetics
Classification: Uncertain significance for Inborn genetic diseases. Last evaluated: 2025-04-25. Review status: criteria provided, single submitter. Criteria: Ambry Variant Classification Scheme 2023. Collection method: clinical testing. Allele origin: germline.

GeneDx
Classification: Uncertain significance. Last evaluated: 2013-09-05. Review status: criteria provided, single submitter. Criteria: GeneDx Variant Classification (06012015). Collection method: clinical testing. Allele origin: germline. Affected: yes.
Comment: p.His64Tyr (CAT>TAT): c.190 C>T in exon 2 of the PUS1 gene (NM_025215.5) A variant of unknown significance has been identified in the PUS1 gene. The H64Y missense substitution has not been published as a mutation, nor has it been reported as a benign polymorphism to our knowledge. The amino acid change is non-conservative in that a positively charged Histidine residue is replaced by an uncharged Tyrosine residue. This change occurs at a position in the PUS1 protein that is not highly conserved. Multiple in-silico analysis programs predict that H64Y is a benign sequence change. Therefore, based on the currently available information, it is unclear whether H64Y is a disease-causing mutation or a rare benign variant. The variant is found in MITONUC-MITOP panel(s).

Natera, Inc.
Classification: Uncertain significance for Myopathy, lactic acidosis, and sideroblastic anemia 1. Last evaluated: 2020-01-24. Review status: no assertion criteria provided. Collection method: clinical testing. Allele origin: germline. Not counted in ClinVar's aggregate classification.